The following is an entry in ClinVar:

NM_001271938.2(MEGF8):c.7368G>A (p.Thr2456=)

Gene: MEGF8 (multiple EGF like domains 8; plus strand). Cytogenetic location: 19q13.2.
Variant type: single nucleotide variant.
Coding change: c.7368G>A on transcript NM_001271938.2 (MANE Select); coding-DNA position 7368, G replaced by A.
Protein change: p.Thr2456=; no amino-acid change (threonine 2456 retained).
Molecular consequence: synonymous variant.
Genome position (GRCh38, 1-based): chr19:42,375,605, G>A. VCF-style: chr19-42375605-G-A. GRCh37 (hg19) VCF-style: chr19-42879757-G-A.
Other names: c.7167G>A, p.Thr2389= (NM_001410.3).
Identifiers: ClinVar variation 744512 (VCV000744512.10), dbSNP rs779163527, ClinGen allele CA9476156.
Genomic context (GRCh38, chr19:42,375,605, plus strand): 5'-GGGCGGCCAGCAGTGCTACCGCCTCATCTCGGTGGAGCAGGAGTGCTGCCTGGACCCCAC[G>A]TCCCAGACCAACTGCTTCCATGAGCCCAAACGCCGGGCGCTAGGCCCCGGCCGCACTGTC-3'
Protein context (NP_001258867.1, residues 2446-2466): SVEQECCLDP[Thr2456=]SQTNCFHEPK

ClinVar aggregate classification (germline): Likely benign. Review status: criteria provided, single submitter (1 of 4 stars). 2 submissions from 2 submitters: Likely benign (1). 1 of the submissions does not count toward it. Last evaluated 2025-03-30.

Conditions:
MEGF8-related disorder. Also called: MEGF8-related condition.
MEGF8-related Carpenter syndrome. Also called: Carpenter syndrome 2. Identifiers: Orphanet 65759, MedGen C3554247, MONDO:0013998, OMIM 614976.

Allele frequency attached by ClinVar (database versions not stated): gnomAD 0.00001 and 0.00002; ExAC 0.00003; gnomAD exomes 0.00006; TOPMed 0.00009.
gnomAD v4.1: 92 of 1,605,088 alleles (0.0057%); highest among the groups gnomAD compares: Admixed American, 0.017%; 1 homozygote.

Submissions (2):

Labcorp Genetics (formerly Invitae), Labcorp
Classification: Likely benign for MEGF8-related Carpenter syndrome. Last evaluated: 2025-03-30. Review status: criteria provided, single submitter. Criteria: Invitae Variant Classification Sherloc (09022015). Collection method: clinical testing. Allele origin: germline.

PreventionGenetics, part of Exact Sciences
Classification: Likely benign for MEGF8-related condition. Last evaluated: 2019-03-11. Review status: no assertion criteria provided. Collection method: clinical testing. Allele origin: germline. Not counted in ClinVar's aggregate classification.
Comment: This variant is classified as likely benign based on ACMG/AMP sequence variant interpretation guidelines (Richards et al. 2015 PMID: 25741868, with internal and published modifications).